The following is an entry in ClinVar:

ClinVar aggregate classification (germline): Uncertain significance (1 of 4 stars; one submission).

Conditions:
Spermatogenic failure 18. Identifiers: MedGen C4539783, MONDO:0054615, OMIM 617576.
Ciliary dyskinesia, primary, 37 (CILD37). Also called: CILIARY DYSKINESIA, PRIMARY, 37, WITH OR WITHOUT SITUS INVERSUS. Identifiers: MedGen C4539798, MONDO:0033204, OMIM 617577.

Submission:

Labcorp Genetics (formerly Invitae), Labcorp
Classification: Uncertain significance for Ciliary dyskinesia, primary, 37; Spermatogenic failure 18. Last evaluated: 2020-02-07. Review status: criteria provided, single submitter. Criteria: Invitae Variant Classification Sherloc (09022015). Collection method: clinical testing. Allele origin: germline.
Comment: In summary, the available evidence is currently insufficient to determine the role of this variant in disease. Therefore, it has been classified as a Variant of Uncertain Significance. Algorithms developed to predict the effect of missense changes on protein structure and function are either unavailable or do not agree on the potential impact of this missense change (SIFT: "Deleterious"; PolyPhen-2: "Benign"; Align-GVGD: "Class C0"). This variant has not been reported in the literature in individuals with DNAH1-related disease. This variant is not present in population databases (ExAC no frequency). This sequence change replaces glutamic acid with glutamine at codon 3062 of the DNAH1 protein (p.Glu3062Gln). The glutamic acid residue is highly conserved and there is a small physicochemical difference between glutamic acid and glutamine.

NM_015512.5(DNAH1):c.9184G>C (p.Glu3062Gln)

Gene: DNAH1 (dynein axonemal heavy chain 1; plus strand). Cytogenetic location: 3p21.1.
Variant type: single nucleotide variant.
Coding change: c.9184G>C on transcript NM_015512.5 (MANE Select); coding-DNA position 9184, G replaced by C.
Protein change: p.Glu3062Gln; replaces glutamic acid 3062 with glutamine.
Molecular consequence: missense variant.
Genome position (GRCh38, 1-based): chr3:52,388,430, G>C. VCF-style: chr3-52388430-G-C. GRCh37 (hg19) VCF-style: chr3-52422446-G-C.
Other names: short protein forms E3062Q.
Identifiers: ClinVar variation 659116 (VCV000659116.6), dbSNP rs1578193025, ClinGen allele CA353194657.
Genomic context (GRCh38, chr3:52,388,430, plus strand): 5'-CCTCCCGGGGGTACTTGGCGAGCTAATCCTGCGCCCTCCGCCCCACAGCAAGCCCTGCTG[G>C]AGGCCCAGGATGACCTGGGGGTGACACAGAGGATCCTGGATGAGGCAAAACAGCGCCTTC-3'
Protein context (NP_056327.4, residues 3052-3072): AVEPKRQALL[Glu3062Gln]AQDDLGVTQR